The following is an entry in ClinVar:

ClinVar aggregate classification (germline): Likely benign. Review status: criteria provided, multiple submitters, no conflicts (2 of 4 stars). 3 submissions from 3 submitters: Likely benign (3). Last evaluated 2025-04-28.

Conditions:
SNRNP200-related disorder. Also called: SNRNP200-related condition.

Allele frequency attached by ClinVar (database versions not stated): gnomAD 0.00001; ExAC 0.00002; gnomAD exomes 0.00005.
gnomAD v4.1: 25 of 1,613,986 alleles (0.0015%); highest among the groups gnomAD compares: Admixed American, 0.022%; no homozygotes.

Submissions (3):

Labcorp Genetics (formerly Invitae), Labcorp
Classification: Likely benign. Last evaluated: 2025-04-28. Review status: criteria provided, single submitter. Criteria: Invitae Variant Classification Sherloc (09022015). Collection method: clinical testing. Allele origin: germline.

PreventionGenetics, part of Exact Sciences
Classification: Likely benign for SNRNP200-related condition. Last evaluated: 2024-10-18. Review status: criteria provided, single submitter. Criteria: ACMG Guidelines, 2015. Collection method: clinical testing. Allele origin: germline.
Comment: This variant is classified as likely benign based on ACMG/AMP sequence variant interpretation guidelines (Richards et al. 2015 PMID: 25741868, with internal and published modifications).

Blueprint Genetics
Classification: Likely benign. Last evaluated: 2022-09-07. Review status: criteria provided, single submitter. Criteria: ACMG Guidelines, 2015. Collection method: clinical testing. Allele origin: germline.

NM_014014.5(SNRNP200):c.6159G>A (p.Ala2053=)

Gene: SNRNP200 (small nuclear ribonucleoprotein U5 subunit 200; minus strand). Cytogenetic location: 2q11.2.
Variant type: single nucleotide variant.
Coding change: c.6159G>A on transcript NM_014014.5 (MANE Select); coding-DNA position 6159, G replaced by A.
Protein change: p.Ala2053=; no amino-acid change (alanine 2053 retained).
Molecular consequence: synonymous variant.
Genome position (GRCh38, 1-based): chr2:96,276,919, C>T on the plus strand (G>A on the coding strand, the complement: SNRNP200 is on the minus strand). VCF-style: chr2-96276919-C-T. GRCh37 (hg19) VCF-style: chr2-96942657-C-T.
Other names: c.6159G>A (NM_014014.4).
Identifiers: ClinVar variation 1622996 (VCV001622996.10), dbSNP rs760684878, ClinGen allele CA1777805.